The following is an entry in ClinVar:

ClinVar aggregate classification (germline): Likely pathogenic (1 of 4 stars; one submission).

Conditions:
HNRNPK-related disorder. Also called: HNRNPK-related condition.

Submission:

PreventionGenetics, part of Exact Sciences
Classification: Likely pathogenic for HNRNPK-related condition. Last evaluated: 2022-10-21. Review status: criteria provided, single submitter. Criteria: ACMG Guidelines, 2015. Collection method: clinical testing. Allele origin: germline.
Comment: The HNRNPK c.566C>T variant is predicted to result in the amino acid substitution p.Thr189Ile. To our knowledge, this variant has not been reported in the literature or in a large population database, indicating this variant is rare. This variant is interpreted as likely pathogenic.

NM_031263.4(HNRNPK):c.566C>T (p.Thr189Ile)

Genes: HNRNPK-AS1 (HNRNPK antisense RNA 1; plus strand), HNRNPK (heterogeneous nuclear ribonucleoprotein K; minus strand). Cytogenetic location: 9q21.32.
Variant type: single nucleotide variant.
Coding change: c.566C>T on transcript NM_031263.4 (MANE Select); coding-DNA position 566, C replaced by T.
Protein change: p.Thr189Ile; replaces threonine 189 with isoleucine.
Molecular consequence: missense variant.
Genome position (GRCh38, 1-based): chr9:83,972,923, G>A on the plus strand (C>T on the coding strand, the complement: HNRNPK is on the minus strand). VCF-style: chr9-83972923-G-A. GRCh37 (hg19) VCF-style: chr9-86587838-G-A.
Other names: c.494C>T, p.Thr165Ile (NM_001318186.2, NM_001318187.2); c.566C>T, p.Thr189Ile (NM_001318188.2, NM_002140.5, NM_031262.4); short protein forms T165I, T189I.
Identifiers: ClinVar variation 2637294 (VCV002637294.1), dbSNP rs2491980539, ClinGen allele CA373926774.